The following is an entry in ClinVar:

NM_004380.3(CREBBP):c.188C>T (p.Ala63Val)

Gene: CREBBP (CREB binding lysine acetyltransferase; minus strand). Cytogenetic location: 16p13.3.
Variant type: single nucleotide variant.
Coding change: c.188C>T on transcript NM_004380.3 (MANE Select); coding-DNA position 188, C replaced by T.
Protein change: p.Ala63Val; replaces alanine 63 with valine.
Molecular consequence: missense variant.
Genome position (GRCh38, 1-based): chr16:3,850,907, G>A on the plus strand (C>T on the coding strand, the complement: CREBBP is on the minus strand). VCF-style: chr16-3850907-G-A. GRCh37 (hg19) VCF-style: chr16-3900908-G-A.
Other names: c.188C>T, p.Ala63Val (NM_001079846.1); short protein forms A63V.
Identifiers: ClinVar variation 3348974 (VCV003348974.1).
Genomic context (GRCh38, chr16:3,850,907, plus strand): 5'-TTGATACTAGAGCCGCTGCCTCCTCGTAGAAGCTCCGACAGTTGTTTATGTTTGGAAGCA[G>A]CATCTGGAACAAGGTTCCCACTGTTTAAAAGGCCTAATTCTCCTCCATTGGGTATCAGCT-3'
Protein context (NP_004371.2, residues 53-73): LLNSGNLVPD[Ala63Val]ASKHKQLSEL

ClinVar aggregate classification (germline): Uncertain significance (0 of 4 stars; one submission).

Conditions:
CREBBP-related disorder. Also called: CREBBP-related condition; CREBBP-related disorders.

gnomAD v4.1: 1 of 1,614,068 alleles (0.000062%); highest among the groups gnomAD compares: Non-Finnish European, 0.000085%; no homozygotes.

Submission:

PreventionGenetics, part of Exact Sciences
Classification: Uncertain significance for CREBBP-related condition. Last evaluated: 2023-10-31. Review status: no assertion criteria provided. Collection method: clinical testing. Allele origin: germline.
Comment: The CREBBP c.188C>T variant is predicted to result in the amino acid substitution p.Ala63Val. To our knowledge, this variant has not been reported in the literature or in a large population database, indicating this variant is rare. At this time, the clinical significance of this variant is uncertain due to the absence of conclusive functional and genetic evidence.